The following is an entry in ClinVar:

ClinVar aggregate classification (germline): Pathogenic (1 of 4 stars; one submission).

Conditions:
Familial adenomatous polyposis 1 (FAP1). Also called: POLYPOSIS, ADENOMATOUS INTESTINAL; FAMILIAL ADENOMATOUS POLYPOSIS 1, ATTENUATED. Identifiers: MedGen C2713442, MONDO:0021056, OMIM 175100. Disease mechanism: loss of function.

Submission:

Myriad Genetics, Inc.
Classification: Pathogenic for Familial adenomatous polyposis 1. Last evaluated: 2024-11-25. Review status: criteria provided, single submitter. Criteria: Myriad Autosomal Dominant, Autosomal Recessive and X-Linked Classification Criteria (2023). Collection method: clinical testing. Allele origin: unknown.
Comment: This variant is considered pathogenic. This variant creates a frameshift predicted to result in premature protein truncation.

NM_000038.6(APC):c.6451_6452insG (p.Thr2151fs)

Gene: APC (APC regulator of Wnt signaling pathway; plus strand). Cytogenetic location: 5q22.2.
Variant type: Insertion.
Coding change: c.6451_6452insG on transcript NM_000038.6 (MANE Select); coding-DNA positions 6451 to 6452, G inserted.
Protein change: p.Thr2151fs; shifts the reading frame from threonine 2151.
Molecular consequence: frameshift variant. On other transcripts: non-coding transcript variant (2).
Genome position: GRCh38 VCF-style: chr5-112842045-A-AG. GRCh37 (hg19) VCF-style: chr5-112177742-A-AG.
Other names: c.6430_6431insG, p.Thr2144fs (NM_001407451.1); c.6421_6422insG, p.Thr2141fs (NM_001407452.1); c.6274_6275insG, p.Thr2092fs (NM_001407453.1, NM_001354901.2); c.6202_6203insG, p.Thr2068fs (NM_001407454.1, NM_001407455.1, NM_001407456.1 and 1 more transcripts); c.6148_6149insG, p.Thr2050fs (NM_001407458.1, NM_001407459.1, NM_001407460.1 and 1 more transcripts); c.6064_6065insG, p.Thr2022fs (NM_001407467.1, NM_001407469.1); c.5602_5603insG, p.Thr1868fs (NM_001407470.1, NM_001354906.2); c.5299_5300insG, p.Thr1767fs (NM_001407471.1, NM_001407472.1); and 11 more; short protein forms T1767fs, T1868fs, T1991fs, T2022fs, T2025fs, T2050fs, T2060fs, T2068fs.
Identifiers: ClinVar variation 3773531 (VCV003773531.1).
Genomic context (GRCh38, chr5:112,842,045, plus strand): 5'-GATTCAGATTCCATCCTTTCCCTGAAATCAGGAATCTCTCTGGGATCACCATTTCATCTT[A>AG]CACCTGATCAAGAAGAAAAACCCTTTACAAGTAATAAAGGCCCACGAATTCTAAAACCAG-3'